The following is an entry in ClinVar:

NM_002528.7(NTHL1):c.633dup (p.Lys212fs)

Gene: NTHL1 (nth like DNA glycosylase 1; minus strand). Cytogenetic location: 16p13.3.
Variant type: Duplication.
Coding change: c.633dup on transcript NM_002528.7 (MANE Select); coding-DNA position 633, one base duplicated (C; older notation c.633dupC).
Protein change: p.Lys212fs; shifts the reading frame from lysine 212.
Molecular consequence: frameshift variant.
Genome position (GRCh38, 1-based): chr16:2,043,619, G duplicated on the plus strand (C on the coding strand, the reverse complement: NTHL1 is on the minus strand); the first of 3 consecutive G bases (chr16:2,043,619-2,043,621); duplicating any one gives the same sequence. VCF-style (leftmost placement, unchanged base first): chr16-2043618-T-TG. GRCh37 (hg19) VCF-style: chr16-2093619-T-TG.
Other names: c.462dup, p.Lys155fs (NM_001318193.2); c.303dup, p.Lys102fs (NM_001318194.2); short protein forms K102fs, K155fs, K212fs.
Identifiers: ClinVar variation 1754295 (VCV001754295.2), dbSNP rs2548315043, ClinGen allele CA2580090546.
Genomic context (GRCh38, chr16:2,043,618, plus strand): 5'-TCTACTCACCAATGCCTGACACAGTGCCCCAGGCCACAGCCATAGCCAGGTGTGCCATCT[T>TG]GGGCCCAACACCCGGCAGCGCCACCAGCTCGGCCACAGAGGCTGGGATGTCCCCACCGTA-3'

ClinVar aggregate classification (germline): Pathogenic (1 of 4 stars; one submission).

Conditions:
Hereditary cancer-predisposing syndrome. Also called: Neoplastic Syndromes, Hereditary; Tumor predisposition; Hereditary Cancer Syndrome; Hereditary neoplastic syndrome. Identifiers: Orphanet 140162, MedGen C0027672, MeSH D009386, MONDO:0015356.

Submission:

Ambry Genetics
Classification: Pathogenic for Hereditary cancer-predisposing syndrome. Last evaluated: 2022-07-08. Review status: criteria provided, single submitter. Criteria: Ambry Variant Classification Scheme 2023. Collection method: clinical testing. Allele origin: germline.
Comment: The c.657dupC pathogenic mutation, located in coding exon 4 of the NTHL1 gene, results from a duplication of C at nucleotide position 657, causing a translational frameshift with a predicted alternate stop codon (p.K220Qfs*53). This alteration occurs at the 3' terminus of theNTHL1 gene, is not expected to trigger nonsense-mediated mRNAdecay, and impacts the last 93 amino acids of the protein. However, based on internal structural analysis, this truncation disrupts the endonuclease III domain of NTHL1, including an iron-sulfur cluster binding region important to proper function (Fromme JC et al. EMBO J, 2003 Jul;22:3461-71; Barton JK et al. Annu Rev Biochem, 2019 06;88:163-190; Das L et al. DNA Repair (Amst), 2020 09;93:102920). In addition, another truncating alteration downstream, p.Q287* (c.859C>T), has been observed in the homozygous state and in trans with another pathogenic NTHL1 variant in probands with a personal and/or family history that is consistent with NTHL1-related disease (Grolleman JE et al. Cancer Cell, 2019 02;35:256-266.e5; Ambry internal data, personal communication with external laboratory). The c.657dupC variant is also considered to be rare based on population cohorts in the Genome Aggregation Database (gnomAD). Based on the supporting evidence, this alteration is interpreted as a disease-causing mutation.